The following is an entry in ClinVar:

ClinVar aggregate classification (germline): Uncertain significance (1 of 4 stars; one submission).

Conditions:
Arrhythmogenic right ventricular dysplasia 10. Also called: Arrhythmogenic Right Ventricular Dysplasia/Cardiomyopathy10; Arrhythmogenic right ventricular dysplasia/cardiomyopathy, type 10; ARRHYTHMOGENIC RIGHT VENTRICULAR DYSPLASIA, FAMILIAL, 10. Identifiers: MedGen C1857777, MONDO:0012434, OMIM 610193.

Submission:

Labcorp Genetics (formerly Invitae), Labcorp
Classification: Uncertain significance for Arrhythmogenic right ventricular dysplasia 10. Last evaluated: 2025-08-09. Review status: criteria provided, single submitter. Criteria: Invitae Variant Classification Sherloc (09022015). Collection method: clinical testing. Allele origin: germline.
Comment: This sequence change replaces glutamine, which is neutral and polar, with arginine, which is basic and polar, at codon 904 of the DSG2 protein (p.Gln904Arg). This variant is not present in population databases (gnomAD no frequency). This variant has not been reported in the literature in individuals affected with DSG2-related conditions. Invitae Evidence Modeling of protein sequence and biophysical properties (such as structural, functional, and spatial information, amino acid conservation, physicochemical variation, residue mobility, and thermodynamic stability) indicates that this missense variant is not expected to disrupt DSG2 protein function with a negative predictive value of 95%. In summary, the available evidence is currently insufficient to determine the role of this variant in disease. Therefore, it has been classified as a Variant of Uncertain Significance.

NM_001943.5(DSG2):c.2711A>G (p.Gln904Arg)

Genes: DSG2 (desmoglein 2; plus strand), DSG2-AS1 (DSG2 antisense RNA 1; minus strand). Cytogenetic location: 18q12.1.
Variant type: single nucleotide variant.
Coding change: c.2711A>G on transcript NM_001943.5 (MANE Select); coding-DNA position 2711, A replaced by G.
Protein change: p.Gln904Arg; replaces glutamine 904 with arginine.
Molecular consequence: missense variant.
Genome position (GRCh38, 1-based): chr18:31,546,097, A>G. VCF-style: chr18-31546097-A-G. GRCh37 (hg19) VCF-style: chr18-29126060-A-G.
Other names: short protein forms Q904R.
Identifiers: ClinVar variation 4739625 (VCV004739625.1).